The following is an entry in ClinVar:

NM_000090.4(COL3A1):c.690+173T>A

Gene: COL3A1 (collagen type III alpha 1 chain; plus strand). Cytogenetic location: 2q32.2.
Variant type: single nucleotide variant.
Coding change: c.690+173T>A on transcript NM_000090.4 (MANE Select); 173 bases into the intron after coding-DNA position 690, T replaced by A.
Molecular consequence: intron variant.
Genome position (GRCh38, 1-based): chr2:188,989,622, T>A. VCF-style: chr2-188989622-T-A. GRCh37 (hg19) VCF-style: chr2-189854348-T-A.
Identifiers: ClinVar variation 675244 (VCV000675244.2), dbSNP rs12616391, ClinGen allele CA62589788.

ClinVar aggregate classification (germline): Benign. Review status: criteria provided, multiple submitters, no conflicts (2 of 4 stars). 2 submissions from 2 submitters: Benign (2). Last evaluated 2018-06-14.

Allele frequency attached by ClinVar (database versions not stated): gnomAD 0.11334 and 0.11832; TOPMed 0.12642; 1000 Genomes Project 0.14577; 1000 Genomes Project 30x 0.15037.
gnomAD v4.1: 17,126 of 152,114 alleles (11%); highest among the groups gnomAD compares: African/African-American, 33%; 2,291 homozygotes.

Submissions (2):

GeneDx
Classification: Benign. Last evaluated: 2018-06-14. Review status: criteria provided, single submitter. Criteria: GeneDx Variant Classification (06012015). Collection method: clinical testing. Allele origin: germline. Affected: yes.
Comment: This variant is considered likely benign or benign based on one or more of the following criteria: it is a conservative change, it occurs at a poorly conserved position in the protein, it is predicted to be benign by multiple in silico algorithms, and/or has population frequency not consistent with disease.

Breakthrough Genomics
Classification: Benign. Review status: criteria provided, single submitter. Criteria: ACMG Guidelines, 2015. Collection method: not provided. Allele origin: germline. Inheritance: Autosomal recessive inheritance. Affected: yes.